The following is an entry in ClinVar:

ClinVar aggregate classification (germline): Uncertain significance (1 of 4 stars; one submission).

Conditions:
Costello syndrome (CSTLO). Also called: HRAS-Related Costello Syndrome; FACIOCUTANEOSKELETAL SYNDROME; FCS SYNDROME. Identifiers: Orphanet 3071, MedGen C0587248, MONDO:0009026, OMIM 218040.

Submission:

Labcorp Genetics (formerly Invitae), Labcorp
Classification: Uncertain significance for Costello syndrome. Last evaluated: 2025-05-05. Review status: criteria provided, single submitter. Criteria: Invitae Variant Classification Sherloc (09022015). Collection method: clinical testing. Allele origin: germline.
Comment: This sequence change replaces cysteine, which is neutral and slightly polar, with arginine, which is basic and polar, at codon 51 of the HRAS protein (p.Cys51Arg). This variant is not present in population databases (gnomAD no frequency). This variant has not been reported in the literature in individuals affected with HRAS-related conditions. ClinVar contains an entry for this variant (Variation ID: 2129189). Invitae Evidence Modeling of protein sequence and biophysical properties (such as structural, functional, and spatial information, amino acid conservation, physicochemical variation, residue mobility, and thermodynamic stability) indicates that this missense variant is expected to disrupt HRAS protein function with a positive predictive value of 95%. In summary, the available evidence is currently insufficient to determine the role of this variant in disease. Therefore, it has been classified as a Variant of Uncertain Significance.

NM_005343.4(HRAS):c.151T>C (p.Cys51Arg)

Genes: HRAS (HRas proto-oncogene, GTPase; minus strand), LRRC56 (leucine rich repeat containing 56; plus strand). Cytogenetic location: 11p15.5.
Variant type: single nucleotide variant.
Coding change: c.151T>C on transcript NM_005343.4 (MANE Select); coding-DNA position 151, T replaced by C.
Protein change: p.Cys51Arg; replaces cysteine 51 with arginine.
Molecular consequence: missense variant. On other transcripts: 5 prime UTR variant (1).
Genome position (GRCh38, 1-based): chr11:533,905, A>G on the plus strand (T>C on the coding strand, the complement: HRAS is on the minus strand). VCF-style: chr11-533905-A-G. GRCh37 (hg19) VCF-style: chr11-533905-A-G.
Other names: c.151T>C, p.Cys51Arg (NM_001130442.3, NM_176795.5); c.-169T>C (NM_001318054.2); short protein forms C51R.
Identifiers: ClinVar variation 2129189 (VCV002129189.4), dbSNP rs1183526920, ClinGen allele CA378924737.
Genomic context (GRCh38, chr11:533,905, plus strand): 5'-ACTGGTCCCGCATGGCGCTGTACTCCTCCTGGCCGGCGGTATCCAGGATGTCCAACAGGC[A>G]CGTCTCCCCATCAATGACCACCTGCTTCCGGTAGGAATCCTGCAGGAGGACAGGGCTCAG-3'
Protein context (NP_005334.1, residues 41-61): RKQVVIDGET[Cys51Arg]LLDILDTAGQ